The following is an entry in ClinVar:

NM_152393.3(KLHL40):c.[1849T>C;1850G>A]

Variant type: Haplotype.
Identifiers: ClinVar variation 228777 (VCV000228777.4).

ClinVar aggregate classification (germline): Uncertain significance (1 of 4 stars; one submission).

Submission:

Laboratory for Molecular Medicine, Mass General Brigham Personalized Medicine
Classification: Uncertain significance. Last evaluated: 2017-06-05. Review status: criteria provided, single submitter. Criteria: LMM Criteria. Collection method: clinical testing. Allele origin: germline. Observed: 3 variant alleles.
Comment: The p.Cys617His variant in KLHL40 is a result of two independent alterations (c. 1849T>C; c.1850G>A) occurring in cis that collectively result in the change from a cystine (Cys) at position 617 to a histidine (His). This variant has not bee n previously reported in individuals with myopathy. The c.1849T>C variant is the predominant allele in all populations sampled by the Exome Aggregation Consorti um (ExAC) (and therefore is likely a reference e rror). All individuals carrying the c.1850G>A variant also carried c.1849T>C in cis, and this variant has been identified in 2/66620 of European chromosomes by ExAC. Computational prediction tools and conservation analysis do not provide st rong support for or against an impact to the protein. In summary, the clinical s ignificance of the p.Cys617His variant is uncertain.